The following is an entry in ClinVar:

NM_000038.6(APC):c.2098G>A (p.Asp700Asn)

Gene: APC (APC regulator of Wnt signaling pathway; plus strand). Cytogenetic location: 5q22.2.
Variant type: single nucleotide variant.
Coding change: c.2098G>A on transcript NM_000038.6 (MANE Select); coding-DNA position 2098, G replaced by A.
Protein change: p.Asp700Asn; replaces aspartic acid 700 with asparagine.
Molecular consequence: missense variant.
Genome position (GRCh38, 1-based): chr5:112,837,692, G>A. VCF-style: chr5-112837692-G-A. GRCh37 (hg19) VCF-style: chr5-112173389-G-A.
Other names: c.2098G>A, p.Asp700Asn (NM_001127510.3, NM_001354895.2); c.2044G>A, p.Asp682Asn (NM_001127511.3); c.2152G>A, p.Asp718Asn (NM_001354896.2); c.2128G>A, p.Asp710Asn (NM_001354897.2); c.2023G>A, p.Asp675Asn (NM_001354898.2); c.2014G>A, p.Asp672Asn (NM_001354899.2); c.1975G>A, p.Asp659Asn (NM_001354900.2); c.1921G>A, p.Asp641Asn (NM_001354901.2); and 6 more; short protein forms D417N, D540N, D574N, D599N, D609N, D641N, D659N, D672N.
Identifiers: ClinVar variation 1004758 (VCV001004758.12), dbSNP rs1765104612, ClinGen allele CA16025913.

ClinVar aggregate classification (germline): Uncertain significance. Review status: criteria provided, multiple submitters, no conflicts (2 of 4 stars). 3 submissions from 3 submitters: Uncertain significance (3). Last evaluated 2024-09-11.

Conditions:
Classic or attenuated familial adenomatous polyposis. Identifiers: MedGen CN372698, MONDO:0021057.
Hereditary cancer-predisposing syndrome. Also called: Hereditary neoplastic syndrome; Neoplastic Syndromes, Hereditary; Tumor predisposition; Hereditary Cancer Syndrome. Identifiers: Orphanet 140162, MedGen C0027672, MeSH D009386, MONDO:0015356.
Familial adenomatous polyposis 1 (FAP1). Also called: FAMILIAL ADENOMATOUS POLYPOSIS 1, ATTENUATED; POLYPOSIS, ADENOMATOUS INTESTINAL. Identifiers: MedGen C2713442, MONDO:0021056, OMIM 175100. Disease mechanism: loss of function.

Allele frequency attached by ClinVar (database versions not stated): gnomAD exomes below 0.00001.
gnomAD v4.1: 1 of 1,614,190 alleles (0.000062%); highest among the groups gnomAD compares: Non-Finnish European, 0.000085%; no homozygotes.

Submissions (3):

All of Us Research Program, National Institutes of Health
Classification: Uncertain significance for Classic or attenuated familial adenomatous polyposis. Last evaluated: 2024-09-11. Review status: criteria provided, single submitter. Criteria: ACMG Guidelines, 2015. Collection method: clinical testing. Allele origin: germline. Inheritance: Autosomal dominant inheritance. Observed: 1 variant allele, 1 heterozygote.
Comment: This study involves interpretation of variants in research participants for the purpose of population health screening. Participant phenotype was not available at the time of variant classification. Additional details can be found in publication PMID: 35346344, PMCID: PMC8962531

Ambry Genetics
Classification: Uncertain significance for Hereditary cancer-predisposing syndrome. Last evaluated: 2023-10-13. Review status: criteria provided, single submitter. Criteria: Ambry Variant Classification Scheme 2023. Collection method: clinical testing. Allele origin: germline.
Comment: The p.D700N variant (also known as c.2098G>A), located in coding exon 15 of the APC gene, results from a G to A substitution at nucleotide position 2098. The aspartic acid at codon 700 is replaced by asparagine, an amino acid with highly similar properties. This amino acid position is well conserved in available vertebrate species. In addition, in silico predictors for this gene do not accurately predict pathogenicity. Since supporting evidence is limited at this time, the clinical significance of this alteration remains unclear.

Labcorp Genetics (formerly Invitae), Labcorp
Classification: Uncertain significance for Familial adenomatous polyposis 1. Last evaluated: 2020-02-29. Review status: criteria provided, single submitter. Criteria: Invitae Variant Classification Sherloc (09022015). Collection method: clinical testing. Allele origin: germline.
Comment: Algorithms developed to predict the effect of missense changes on protein structure and function are either unavailable or do not agree on the potential impact of this missense change (SIFT: "Tolerated"; PolyPhen-2: "Probably Damaging"; Align-GVGD: "Class C0"). This variant has not been reported in the literature in individuals with APC-related conditions. This variant is not present in population databases (ExAC no frequency). This sequence change replaces aspartic acid with asparagine at codon 700 of the APC protein (p.Asp700Asn). The aspartic acid residue is highly conserved and there is a small physicochemical difference between aspartic acid and asparagine. In summary, the available evidence is currently insufficient to determine the role of this variant in disease. Therefore, it has been classified as a Variant of Uncertain Significance.